The following is an entry in ClinVar:

NM_013351.2(TBX21):c.408A>G (p.Lys136=)

Gene: TBX21 (T-box transcription factor 21; plus strand). Cytogenetic location: 17q21.32.
Variant type: single nucleotide variant.
Coding change: c.408A>G on transcript NM_013351.2 (MANE Select); coding-DNA position 408, A replaced by G.
Protein change: p.Lys136=; no amino-acid change (lysine 136 retained).
Molecular consequence: synonymous variant.
Genome position (GRCh38, 1-based): chr17:47,733,862, A>G. VCF-style: chr17-47733862-A-G. GRCh37 (hg19) VCF-style: chr17-45811228-A-G.
Identifiers: ClinVar variation 3043042 (VCV003043042.2), dbSNP rs566234302, ClinGen allele CA8626262.
Genomic context (GRCh38, chr17:47,733,862, plus strand): 5'-GCTCTACCCGGGGCCGCGTGAGGACTACGCGCTACCCGCGGGACTGGAGGTGTCGGGGAA[A>G]CTGAGGGTCGCGCTCAACAACCACCTGTTGTGGTCCAAGTTTAATCAGCACCAGACAGAG-3'
Protein context (NP_037483.1, residues 126-146): ALPAGLEVSG[Lys136=]LRVALNNHLL

ClinVar aggregate classification (germline): Likely benign (0 of 4 stars; one submission).

Conditions:
TBX21-related disorder. Also called: TBX21-related condition.

Allele frequency attached by ClinVar (database versions not stated): TOPMed 0.00014; gnomAD 0.00022; gnomAD exomes 0.00023; 1000 Genomes Project 30x 0.00031; 1000 Genomes Project 0.00040; ExAC 0.00051.

Submission:

PreventionGenetics, part of Exact Sciences
Classification: Likely benign for TBX21-related condition. Last evaluated: 2019-06-25. Review status: no assertion criteria provided. Collection method: clinical testing. Allele origin: germline.
Comment: This variant is classified as likely benign based on ACMG/AMP sequence variant interpretation guidelines (Richards et al. 2015 PMID: 25741868, with internal and published modifications).